The following is an entry in ClinVar:

NM_001127392.3(MYRF):c.1962C>T (p.Asp654=)

Gene: MYRF (myelin regulatory factor; plus strand). Cytogenetic location: 11q12.2.
Variant type: single nucleotide variant.
Coding change: c.1962C>T on transcript NM_001127392.3 (MANE Select); coding-DNA position 1962, C replaced by T.
Protein change: p.Asp654=; no amino-acid change (aspartic acid 654 retained).
Molecular consequence: synonymous variant.
Genome position (GRCh38, 1-based): chr11:61,778,438, C>T. VCF-style: chr11-61778438-C-T. GRCh37 (hg19) VCF-style: chr11-61545910-C-T.
Other names: c.1935C>T, p.Asp645= (NM_013279.4).
Identifiers: ClinVar variation 4821115 (VCV004821115.5).

ClinVar aggregate classification (germline): Likely benign. Review status: criteria provided, multiple submitters, no conflicts (2 of 4 stars). 2 submissions from 2 submitters: Likely benign (2). Last evaluated 2026-03-01.

gnomAD v4.1: 142 of 1,614,094 alleles (0.0088%); highest among the groups gnomAD compares: Non-Finnish European, 0.0056%; no homozygotes.

Submissions (2):

CeGaT Center for Human Genetics Tuebingen
Classification: Likely benign. Last evaluated: 2026-03-01. Review status: criteria provided, single submitter. Criteria: CeGaT Center For Human Genetics Tuebingen Variant Classification Criteria Version 2. Collection method: clinical testing. Allele origin: germline. Affected: yes. Observed: 1 variant allele.
Comment: MYRF: BP4, BP7

Blueprint Genetics
Classification: Likely benign. Last evaluated: 2024-11-25. Review status: criteria provided, single submitter. Criteria: ACMG Guidelines, 2015. Collection method: clinical testing. Allele origin: germline.